The following is an entry in ClinVar:

NM_025243.4(SLC19A3):c.646G>T (p.Val216Leu)

Gene: SLC19A3 (solute carrier family 19 member 3; minus strand). Cytogenetic location: 2q36.3.
Variant type: single nucleotide variant.
Coding change: c.646G>T on transcript NM_025243.4 (MANE Select); coding-DNA position 646, G replaced by T.
Protein change: p.Val216Leu; replaces valine 216 with leucine.
Molecular consequence: missense variant.
Genome position (GRCh38, 1-based): chr2:227,699,069, C>A on the plus strand (G>T on the coding strand, the complement: SLC19A3 is on the minus strand). VCF-style: chr2-227699069-C-A. GRCh37 (hg19) VCF-style: chr2-228563785-C-A.
Other names: c.646G>T, p.Val216Leu (NM_001371411.1, NM_001371412.1); c.634G>T, p.Val212Leu (NM_001371413.1, NM_001371414.1); short protein forms V212L, V216L.
Identifiers: ClinVar variation 3767972 (VCV003767972.1).

ClinVar aggregate classification (germline): Uncertain significance (1 of 4 stars; one submission).

Conditions:
Biotin-responsive basal ganglia disease (BTBGD). Also called: thiamine-responsive encephalopathy; THIAMINE METABOLISM DYSFUNCTION SYNDROME 2 (BIOTIN- AND THIAMINE-RESPONSIVE TYPE); Thiamine metabolism dysfunction syndrome type 2; Thiamine metabolism dysfunction syndrome 2 (biotin- or thiamine-responsive encephalopathy type 2); Thiamine Transporter-2 Deficiency. Identifiers: Orphanet 199348, Orphanet 65284, MedGen C1843807, MONDO:0011841, OMIM 607483.

Submission:

Diagnostics Services (NGS), CSIR - Centre For Cellular And Molecular Biology
Classification: Uncertain significance for Biotin-responsive basal ganglia disease. Last evaluated: 2025-02-07. Review status: criteria provided, single submitter. Criteria: ACMG Guidelines, 2015. Collection method: clinical testing. Allele origin: unknown. Affected: no. Observed: 1 variant allele, 1 heterozygote.
Comment: The c.646G>T variant is not present in publicly available population databases like 1000 Genomes, EVS, gnomAD, Indian Exome Database or our internal database. This variant has neither been reported in the literature in individuals affected with SLC19A3-related conditions nor reported to the clinical databases like Human Genome Mutation Database (HGMD), ClinVar or OMIM in any affected individuals. Predictions from different in-silico pathogenicity prediction programs like SIFT, Polyphen-2, MutationTaster2021, CADD, Franklin, Varsome, InterVar etc are contradictory.